The following is an entry in ClinVar:

NM_006949.4(STXBP2):c.1289A>G (p.Asn430Ser)

Gene: STXBP2 (syntaxin binding protein 2; plus strand). Cytogenetic location: 19p13.2.
Variant type: single nucleotide variant.
Coding change: c.1289A>G on transcript NM_006949.4 (MANE Select); coding-DNA position 1289, A replaced by G.
Protein change: p.Asn430Ser; replaces asparagine 430 with serine.
Molecular consequence: missense variant. On other transcripts: non-coding transcript variant (1).
Genome position (GRCh38, 1-based): chr19:7,645,239, A>G. VCF-style: chr19-7645239-A-G. GRCh37 (hg19) VCF-style: chr19-7710125-A-G.
Other names: c.1280A>G, p.Asn427Ser (NM_001127396.3); c.1322A>G, p.Asn441Ser (NM_001272034.2); short protein forms N441S, N427S, N430S.
Identifiers: ClinVar variation 1446663 (VCV001446663.5), dbSNP rs759426286, ClinGen allele CA9144086.

ClinVar aggregate classification (germline): Uncertain significance (1 of 4 stars; one submission).

Conditions:
Familial hemophagocytic lymphohistiocytosis 5. Also called: STXBP2-Related Familial Hemophagocytic Lymphohistiocytosis (STXBP2-fHLH). Identifiers: Orphanet 540, MedGen C2751293, MONDO:0013135, OMIM 613101.

Allele frequency attached by ClinVar (database versions not stated): gnomAD exomes below 0.00001; TOPMed below 0.00001; gnomAD 0.00001.
gnomAD v4.1: 2 of 1,579,112 alleles (0.00013%); highest among the groups gnomAD compares: East Asian, 0.0023%; no homozygotes.

Submission:

Labcorp Genetics (formerly Invitae), Labcorp
Classification: Uncertain significance for Familial hemophagocytic lymphohistiocytosis 5. Last evaluated: 2021-08-26. Review status: criteria provided, single submitter. Criteria: Invitae Variant Classification Sherloc (09022015). Collection method: clinical testing. Allele origin: germline.
Comment: This sequence change replaces asparagine with serine at codon 430 of the STXBP2 protein (p.Asn430Ser). The asparagine residue is highly conserved and there is a small physicochemical difference between asparagine and serine. The frequency data for this variant in the population databases is considered unreliable, as metrics indicate poor data quality at this position in the ExAC database. This variant has not been reported in the literature in individuals affected with STXBP2-related conditions. Algorithms developed to predict the effect of missense changes on protein structure and function are either unavailable or do not agree on the potential impact of this missense change (SIFT: "Deleterious"; PolyPhen-2: "Probably Damaging"; Align-GVGD: "Class C0"). In summary, the available evidence is currently insufficient to determine the role of this variant in disease. Therefore, it has been classified as a Variant of Uncertain Significance.